The following is an entry in ClinVar:

ClinVar aggregate classification (germline): Conflicting classifications of pathogenicity. Review status: criteria provided, conflicting classifications (1 of 4 stars). 2 submissions from 2 submitters: Uncertain significance (1); Likely benign (1). Last evaluated 2024-10-17.

Allele frequency attached by ClinVar (database versions not stated): TOPMed below 0.00001; gnomAD 0.00003; ExAC 0.00008; 1000 Genomes Project 0.00020; 1000 Genomes Project 30x 0.00031.
gnomAD v4.1: 55 of 1,614,114 alleles (0.0034%); highest among the groups gnomAD compares: South Asian, 0.056%; 1 homozygote.

Submissions (2):

Ambry Genetics
Classification: Uncertain significance. Last evaluated: 2024-10-17. Review status: criteria provided, single submitter. Criteria: Ambry Variant Classification Scheme 2023. Collection method: clinical testing. Allele origin: germline.

CeGaT Center for Human Genetics Tuebingen
Classification: Likely benign. Last evaluated: 2022-03-01. Review status: criteria provided, single submitter. Criteria: CeGaT Center For Human Genetics Tuebingen Variant Classification Criteria Version 2. Collection method: clinical testing. Allele origin: germline. Affected: yes. Observed: 1 variant allele.
Comment: RHPN2: BS2

NM_033103.5(RHPN2):c.652A>T (p.Ser218Cys)

Gene: RHPN2 (rhophilin Rho GTPase binding protein 2; minus strand). Cytogenetic location: 19q13.11.
Variant type: single nucleotide variant.
Coding change: c.652A>T on transcript NM_033103.5 (MANE Select); coding-DNA position 652, A replaced by T.
Protein change: p.Ser218Cys; replaces serine 218 with cysteine.
Molecular consequence: missense variant.
Genome position (GRCh38, 1-based): chr19:33,008,122, T>A on the plus strand (A>T on the coding strand, the complement: RHPN2 is on the minus strand). VCF-style: chr19-33008122-T-A. GRCh37 (hg19) VCF-style: chr19-33499028-T-A.
Other names: c.652A>T (NM_033103.4); short protein forms S218C.
Identifiers: ClinVar variation 2649693 (VCV002649693.25), dbSNP rs577697788, ClinGen allele CA9360711.